The following is an entry in ClinVar:

NC_000016.9:g.(?_89574826)_(89575028_?)del

Gene: SPG7 (SPG7 matrix AAA peptidase subunit, paraplegin; plus strand). Cytogenetic location: 16q24.3.
Variant type: Deletion.
Identifiers: ClinVar variation 3243423 (VCV003243423.1).

ClinVar aggregate classification (germline): Pathogenic (1 of 4 stars; one submission).

Conditions:
Hereditary spastic paraplegia 7 (SPG7). Also called: Autosomal recessive spastic paraplegia type 7; SPASTIC PARAPLEGIA 7, AUTOSOMAL RECESSIVE, WITH OR WITHOUT CEREBELLAR ATAXIA; Spastic paraplegia 7; Hereditary spastic paraplegia Paraplegin type; SPG7-related neurologic disorder. Identifiers: Orphanet 99013, MedGen C1846564, MONDO:0011803, OMIM 607259.

Submission:

Labcorp Genetics (formerly Invitae), Labcorp
Classification: Pathogenic for Hereditary spastic paraplegia 7. Last evaluated: 2023-07-13. Review status: criteria provided, single submitter. Criteria: Invitae Variant Classification Sherloc (09022015). Collection method: clinical testing. Allele origin: unknown.
Comment: This variant is a gross deletion of the genomic region encompassing exon(s) 1 of the SPG7 gene, which includes the initiator codon. This deletion extends beyond the assayed region for this gene and therefore may encompass additional genes. It is expected to result in an absent or disrupted protein product. Loss-of-function variants in SPG7 are known to be pathogenic (PMID: 21623769, 22964162). This variant has not been reported in the literature in individuals affected with SPG7-related conditions. For these reasons, this variant has been classified as Pathogenic.

Literature cited by the submitters: PubMed 21623769; PubMed 22964162.